The following is an entry in ClinVar:

NM_001164508.2(NEB):c.2833G>T (p.Asp945Tyr)

Gene: NEB (nebulin; minus strand). Cytogenetic location: 2q23.3.
Variant type: single nucleotide variant.
Coding change: c.2833G>T on transcript NM_001164508.2 (MANE Select); coding-DNA position 2833, G replaced by T.
Protein change: p.Asp945Tyr; replaces aspartic acid 945 with tyrosine.
Molecular consequence: missense variant.
Genome position (GRCh38, 1-based): chr2:151,684,780, C>A on the plus strand (G>T on the coding strand, the complement: NEB is on the minus strand). VCF-style: chr2-151684780-C-A. GRCh37 (hg19) VCF-style: chr2-152541294-C-A.
Other names: c.2833G>T, p.Asp945Tyr (NM_001164507.2, NM_001271208.2, NM_004543.5); short protein forms D945Y.
Identifiers: ClinVar variation 967007 (VCV000967007.8), dbSNP rs549231016, ClinGen allele CA1911112.

ClinVar aggregate classification (germline): Uncertain significance. Review status: criteria provided, multiple submitters, no conflicts (2 of 4 stars). 3 submissions from 3 submitters: Uncertain significance (2). 1 of the submissions does not count toward it. Last evaluated 2022-03-23.

Conditions:
Nemaline myopathy 2 (NEM2). Also called: Nemaline myopathy 2, autosomal recessive. Identifiers: MedGen C1850569, MONDO:0009725, OMIM 256030.

gnomAD v4.1: 7 of 1,572,348 alleles (0.00045%); highest among the groups gnomAD compares: East Asian, 0.011%; no homozygotes.

Submissions (3):

Labcorp Genetics (formerly Invitae), Labcorp
Classification: Uncertain significance for Nemaline myopathy 2. Last evaluated: 2022-03-23. Review status: criteria provided, single submitter. Criteria: Invitae Variant Classification Sherloc (09022015). Collection method: clinical testing. Allele origin: germline.
Comment: This sequence change replaces aspartic acid, which is acidic and polar, with tyrosine, which is neutral and polar, at codon 945 of the NEB protein (p.Asp945Tyr). The frequency data for this variant in the population databases is considered unreliable, as metrics indicate poor data quality at this position in the gnomAD database. This variant has not been reported in the literature in individuals affected with NEB-related conditions. ClinVar contains an entry for this variant (Variation ID: 967007). Algorithms developed to predict the effect of missense changes on protein structure and function are either unavailable or do not agree on the potential impact of this missense change (SIFT: "Deleterious"; PolyPhen-2: "Not Available"; Align-GVGD: "Class C0"). In summary, the available evidence is currently insufficient to determine the role of this variant in disease. Therefore, it has been classified as a Variant of Uncertain Significance.

Blueprint Genetics
Classification: Uncertain significance. Last evaluated: 2021-09-16. Review status: criteria provided, single submitter. Criteria: ACMG Guidelines, 2015. Collection method: clinical testing. Allele origin: germline.

Natera, Inc.
Classification: Uncertain significance for Nemaline myopathy type 2. Last evaluated: 2020-02-26. Review status: no assertion criteria provided. Collection method: clinical testing. Allele origin: germline. Not counted in ClinVar's aggregate classification.